The following is an entry in ClinVar:

ClinVar aggregate classification (germline): Uncertain significance. Review status: criteria provided, multiple submitters, no conflicts (2 of 4 stars). 4 submissions from 4 submitters: Uncertain significance (4). Last evaluated 2024-03-06.

Conditions:
Cardiovascular phenotype. Identifiers: MedGen CN230736.
Cardiomyopathy (CMYO). Also called: Cardiomyopathies. Identifiers: Orphanet 167848, MedGen C0878544, MONDO:0004994, HP:0001638. Inheritance: Various modes of inheritance.
Arrhythmogenic right ventricular dysplasia 9 (ARVD9). Also called: Arrhythmogenic Right Ventricular Dysplasia/Cardiomyopathy 9; ARRHYTHMOGENIC RIGHT VENTRICULAR DYSPLASIA, FAMILIAL, 9. Identifiers: MedGen C1836906, MONDO:0012180, OMIM 609040.
Arrhythmogenic right ventricular cardiomyopathy (ARVD). Also called: Arrhythmogenic cardiomyopathy; Arrhythmogenic Right Ventricular Cardiomyopathy (ARVC); Cardiomyopathy, ARVC; Arrhythmogenic right ventricular dysplasia. Identifiers: Orphanet 247, MedGen C0349788, MeSH D019571, MONDO:0016587. Disease mechanism: loss of function. Inheritance: Various modes of inheritance.

Allele frequency attached by ClinVar (database versions not stated): gnomAD exomes below 0.00001.
gnomAD v4.1: 2 of 1,614,036 alleles (0.00012%); highest among the groups gnomAD compares: Non-Finnish European, 0.000085%; no homozygotes.

Submissions (4):

Color Diagnostics, LLC DBA Color Health
Classification: Uncertain significance for Cardiomyopathy. Last evaluated: 2024-03-06. Review status: criteria provided, single submitter. Criteria: ACMG Guidelines, 2015. Collection method: clinical testing. Allele origin: germline.
Comment: This missense variant replaces arginine with lysine at codon 210 of the PKP2 protein. Computational prediction suggests that this variant may not impact protein structure and function (internally defined REVEL score threshold <= 0.5, PMID: 27666373). To our knowledge, functional studies have not been reported for this variant. This variant has not been reported in individuals affected with cardiovascular disorders in the literature. This variant has not been identified in the general population by the Genome Aggregation Database (gnomAD). The available evidence is insufficient to determine the role of this variant in disease conclusively. Therefore, this variant is classified as a Variant of Uncertain Significance.

All of Us Research Program, National Institutes of Health
Classification: Uncertain significance for Arrhythmogenic right ventricular cardiomyopathy. Last evaluated: 2023-08-15. Review status: criteria provided, single submitter. Criteria: ACMG Guidelines, 2015. Collection method: clinical testing. Allele origin: germline. Inheritance: Autosomal dominant inheritance. Observed: 3 variant alleles, 3 heterozygotes.
Comment: This missense variant replaces arginine with lysine at codon 210 of the PKP2 protein. Computational prediction suggests that this variant may not impact protein structure and function (internally defined REVEL score threshold <= 0.5, PMID: 27666373). To our knowledge, functional studies have not been reported for this variant. This variant has not been reported in individuals affected with cardiovascular disorders in the literature. This variant has not been identified in the general population by the Genome Aggregation Database (gnomAD). The available evidence is insufficient to determine the role of this variant in disease conclusively. Therefore, this variant is classified as a Variant of Uncertain Significance.

This study involves interpretation of variants in research participants for the purpose of population health screening. Participant phenotype was not available at the time of variant classification. Additional details can be found in publication PMID: 35346344, PMCID: PMC8962531

Labcorp Genetics (formerly Invitae), Labcorp
Classification: Uncertain significance for Arrhythmogenic right ventricular dysplasia 9. Last evaluated: 2023-06-24. Review status: criteria provided, single submitter. Criteria: Invitae Variant Classification Sherloc (09022015). Collection method: clinical testing. Allele origin: germline.
Comment: In summary, the available evidence is currently insufficient to determine the role of this variant in disease. Therefore, it has been classified as a Variant of Uncertain Significance. Algorithms developed to predict the effect of missense changes on protein structure and function output the following: SIFT: "Not Available"; PolyPhen-2: "Benign"; Align-GVGD: "Not Available". The lysine amino acid residue is found in multiple mammalian species, which suggests that this missense change does not adversely affect protein function. ClinVar contains an entry for this variant (Variation ID: 518841). This variant has not been reported in the literature in individuals affected with PKP2-related conditions. This variant is not present in population databases (gnomAD no frequency). This sequence change replaces arginine, which is basic and polar, with lysine, which is basic and polar, at codon 210 of the PKP2 protein (p.Arg210Lys).

Ambry Genetics
Classification: Uncertain significance for Cardiovascular phenotype. Last evaluated: 2017-01-30. Review status: criteria provided, single submitter. Criteria: Ambry Variant Classification Scheme 2023. Collection method: clinical testing. Allele origin: germline.
Comment: The p.R210K variant (also known as c.629G>A), located in coding exon 3 of the PKP2 gene, results from a G to A substitution at nucleotide position 629. The arginine at codon 210 is replaced by lysine, an amino acid with highly similar properties. This amino acid position is not well conserved in available vertebrate species, and lysine is the reference amino acid in other vertebrate species. In addition, this alteration is predicted to be tolerated by in silico analysis. Since supporting evidence is limited at this time, the clinical significance of this alteration remains unclear.

NM_001005242.3(PKP2):c.629G>A (p.Arg210Lys)

Gene: PKP2 (plakophilin 2; minus strand). Cytogenetic location: 12p11.21.
Variant type: single nucleotide variant.
Coding change: c.629G>A on transcript NM_001005242.3 (MANE Select); coding-DNA position 629, G replaced by A.
Protein change: p.Arg210Lys; replaces arginine 210 with lysine.
Molecular consequence: missense variant.
Genome position (GRCh38, 1-based): chr12:32,878,251, C>T on the plus strand (G>A on the coding strand, the complement: PKP2 is on the minus strand). VCF-style: chr12-32878251-C-T. GRCh37 (hg19) VCF-style: chr12-33031185-C-T.
Other names: c.629G>A, p.Arg210Lys (NM_004572.4); short protein forms R210K.
Identifiers: ClinVar variation 518841 (VCV000518841.13), dbSNP rs1555148132, ClinGen allele CA384363910.
Genomic context (GRCh38, chr12:32,878,251, plus strand): 5'-ACGGTGTCGCTAACAGAGCCATGCTGGTACTGTCTGTGGTATGTGTCAAAGTGGCGCTGC[C>T]TGCTTGTGGTGCCAGCACGGCTGACCCCCACGATCTCGGAACGAGCATATCTCGGTGGCA-3'
Protein context (NP_001005242.2, residues 200-220): VGVSRAGTTS[Arg210Lys]QRHFDTYHRQ